The following is an entry in ClinVar:

ClinVar aggregate classification (germline): Conflicting classifications of pathogenicity. Review status: criteria provided, conflicting classifications (1 of 4 stars). 3 submissions from 3 submitters: Uncertain significance (1); Likely benign (2). Last evaluated 2026-06-15.

Conditions:
ELP1-related disorder. Also called: ELP1-related condition.
Familial dysautonomia. Also called: FD; HSAN III. Identifiers: Orphanet 1764, MedGen C0013364, MONDO:0009131, OMIM 223900. Disease mechanism: loss of function.

Allele frequency attached by ClinVar (database versions not stated): TOPMed 0.00003; gnomAD 0.00004; ESP Exome Variant Server 0.00008.
gnomAD v4.1: 131 of 1,611,386 alleles (0.0081%); highest among the groups gnomAD compares: Non-Finnish European, 0.011%; no homozygotes.

Submissions (3):

PreventionGenetics, part of Exact Sciences
Classification: Likely benign for ELP1-related condition. Last evaluated: 2026-06-15. Review status: criteria provided, single submitter. Criteria: ACMG Guidelines, 2015. Collection method: clinical testing. Allele origin: germline.
Comment: This variant is classified as likely benign based on ACMG/AMP sequence variant interpretation guidelines (Richards et al. 2015 PMID: 25741868, with internal and published modifications).

Labcorp Genetics (formerly Invitae), Labcorp
Classification: Likely benign. Last evaluated: 2025-10-01. Review status: criteria provided, single submitter. Criteria: Invitae Variant Classification Sherloc (09022015). Collection method: clinical testing. Allele origin: germline.

Illumina Laboratory Services, Illumina
Classification: Uncertain significance for Familial dysautonomia. Last evaluated: 2018-01-12. Review status: criteria provided, single submitter. Criteria: ICSL Variant Classification Criteria 13 December 2019. Collection method: clinical testing. Allele origin: germline.

NM_003640.5(ELP1):c.304-5C>T

Gene: ELP1 (elongator acetyltransferase complex subunit 1; minus strand). Cytogenetic location: 9q31.3.
Variant type: single nucleotide variant.
Coding change: c.304-5C>T on transcript NM_003640.5 (MANE Select); 5 bases into the intron before coding-DNA position 304, C replaced by T.
Molecular consequence: intron variant.
Genome position (GRCh38, 1-based): chr9:108,927,458, G>A on the plus strand (C>T on the coding strand, the complement: ELP1 is on the minus strand). VCF-style: chr9-108927458-G-A. GRCh37 (hg19) VCF-style: chr9-111689738-G-A.
Other names: c.304-5C>T (LRG_251t1, NM_003640.4); c.-39-5C>T (NM_001318360.2); c.-556-5C>T (NM_001330749.2).
Identifiers: ClinVar variation 364580 (VCV000364580.16), dbSNP rs370384351, ClinGen allele CA5175398.